The following is an entry in ClinVar:

ClinVar aggregate classification (germline): Conflicting classifications of pathogenicity. Review status: criteria provided, conflicting classifications (1 of 4 stars). 12 submissions from 8 submitters: Uncertain significance (3); Benign (3); Likely benign (3). 3 of the submissions do not count toward it. Last evaluated 2026-02-03.

Conditions:
TTN-related disorder. Also called: TTN-related disorders; TTN-related condition; TTN-related disease.
Autosomal recessive limb-girdle muscular dystrophy type 2J (LGMDR10). Also called: Limb-girdle muscular dystrophy, type 2J; MUSCULAR DYSTROPHY, LIMB-GIRDLE, AUTOSOMAL RECESSIVE 10. Identifiers: Orphanet 140922, MedGen C1837342, MONDO:0012127, OMIM 608807.
Dilated cardiomyopathy 1G (CMD1G). Identifiers: Orphanet 154, MedGen C1858763, MONDO:0011400, OMIM 604145.
Early-onset myopathy with fatal cardiomyopathy (CMYO5). Also called: Salih Myopathy; CONGENITAL MYOPATHY 5 WITH CARDIOMYOPATHY. Identifiers: Orphanet 289377, MedGen C2673677, MONDO:0012714, OMIM 611705. Disease mechanism: loss of function.
Myopathy, myofibrillar, 9, with early respiratory failure (MFM9). Also called: EDSTROM MYOPATHY; MYOPATHY, PROXIMAL, WITH EARLY RESPIRATORY MUSCLE INVOLVEMENT; Hereditary myopathy with early respiratory failure; Myopathy, distal, with early respiratory failure, autosomal dominant. Identifiers: Orphanet 178464, Orphanet 34521, MedGen C1863599, MONDO:0011362, OMIM 603689.
Tibial muscular dystrophy (TMD). Also called: Udd Distal Myopathy – Tibial Muscular Dystrophy; UDD MYOPATHY; Tibial muscular dystrophy, tardive. Identifiers: Orphanet 609, MedGen C1838244, MONDO:0010870, OMIM 600334.

Allele frequency attached by ClinVar (database versions not stated): 1000 Genomes Project 0.00120; 1000 Genomes Project 30x 0.00141; gnomAD below 0.00001 and 0.00017; TOPMed 0.00003; gnomAD exomes 0.00052; ExAC 0.00061.
gnomAD v4.1: 398 of 1,613,494 alleles (0.025%); highest among the groups gnomAD compares: South Asian, 0.42%; 4 homozygotes.

Submissions (12):

Labcorp Genetics (formerly Invitae), Labcorp
Classification: Benign for Dilated cardiomyopathy 1G; Autosomal recessive limb-girdle muscular dystrophy type 2J. Last evaluated: 2026-02-03. Review status: criteria provided, single submitter. Criteria: Invitae Variant Classification Sherloc (09022015). Collection method: clinical testing. Allele origin: germline.

Blueprint Genetics
Classification: Likely benign. Last evaluated: 2024-11-26. Review status: criteria provided, single submitter. Criteria: ACMG Guidelines, 2015. Collection method: clinical testing. Allele origin: germline.

Illumina Laboratory Services, Illumina
Classification: Uncertain significance for Dilated cardiomyopathy 1G. Last evaluated: 2018-01-12. Review status: criteria provided, single submitter. Criteria: ICSL Variant Classification Criteria 13 December 2019. Collection method: clinical testing. Allele origin: germline.

Illumina Laboratory Services, Illumina
Classification: Uncertain significance for Early-onset myopathy with fatal cardiomyopathy. Last evaluated: 2018-01-12. Review status: criteria provided, single submitter. Criteria: ICSL Variant Classification Criteria 13 December 2019. Collection method: clinical testing. Allele origin: germline.

Illumina Laboratory Services, Illumina
Classification: Benign for Myopathy, myofibrillar, 9, with early respiratory failure. Last evaluated: 2018-01-12. Review status: criteria provided, single submitter. Criteria: ICSL Variant Classification Criteria 13 December 2019. Collection method: clinical testing. Allele origin: germline.
Comment: This variant was observed in the ICSL laboratory as part of a predisposition screen in an ostensibly healthy population. It had not been previously curated by ICSL or reported in the Human Gene Mutation Database (HGMD: prior to June 1st, 2018), and was therefore a candidate for classification through an automated scoring system. Utilizing variant allele frequency, disease prevalence and penetrance estimates, and inheritance mode, an automated score was calculated to assess if this variant is too frequent to cause the disease. Based on the score and internal cut-off values, a variant classified as benign is not then subjected to further curation. The score for this variant resulted in a classification of benign for this disease.

Illumina Laboratory Services, Illumina
Classification: Benign for Tibial muscular dystrophy. Last evaluated: 2018-01-12. Review status: criteria provided, single submitter. Criteria: ICSL Variant Classification Criteria 13 December 2019. Collection method: clinical testing. Allele origin: germline.
Comment: the same text as in the submission from Illumina Laboratory Services, Illumina above.

Illumina Laboratory Services, Illumina
Classification: Uncertain significance for Autosomal recessive limb-girdle muscular dystrophy type 2J. Last evaluated: 2018-01-12. Review status: criteria provided, single submitter. Criteria: ICSL Variant Classification Criteria 13 December 2019. Collection method: clinical testing. Allele origin: germline.

Eurofins Ntd Llc (ga)
Classification: Likely benign. Last evaluated: 2016-11-10. Review status: criteria provided, single submitter. Criteria: EGL Classification Definitions 2015. Collection method: clinical testing. Allele origin: germline. Observed: 2 variant alleles, 2 heterozygotes.

Laboratory for Molecular Medicine, Mass General Brigham Personalized Medicine
Classification: Likely benign. Last evaluated: 2012-01-12. Review status: criteria provided, single submitter. Criteria: LMM Criteria. Collection method: clinical testing. Allele origin: germline. Observed: 1 variant allele.
Comment: Glu9657Glu in exon 129 of TTN: This variant is not expected to have clinical sig nificance because it does not alter an amino acid residue and is not located wit hin the splice consensus sequence. Glu9657Glu in exon 129 of TTN (allele freque ncy = n/a)

PreventionGenetics, part of Exact Sciences
Classification: Likely benign for TTN-related condition. Last evaluated: 2023-03-28. Review status: no assertion criteria provided. Collection method: clinical testing. Allele origin: germline. Not counted in ClinVar's aggregate classification.
Comment: This variant is classified as likely benign based on ACMG/AMP sequence variant interpretation guidelines (Richards et al. 2015 PMID: 25741868, with internal and published modifications).

Clinical Genetics DNA and cytogenetics Diagnostics Lab, Erasmus MC, Erasmus Medical Center
Classification: Likely benign. Review status: no assertion criteria provided. Collection method: clinical testing. Allele origin: germline. Affected: yes. Study: VKGL Data-share Consensus. Not counted in ClinVar's aggregate classification.

Clinical Genetics, Academic Medical Center
Classification: Benign. Review status: no assertion criteria provided. Collection method: clinical testing. Allele origin: germline. Affected: yes. Study: VKGL Data-share Consensus. Not counted in ClinVar's aggregate classification.

NM_001267550.2(TTN):c.32703G>A (p.Glu10901=)

Gene: TTN (titin; minus strand). Cytogenetic location: 2q31.2.
Variant type: single nucleotide variant.
Coding change: c.32703G>A on transcript NM_001267550.2 (MANE Select); coding-DNA position 32703, G replaced by A.
Protein change: p.Glu10901=; no amino-acid change (glutamic acid 10901 retained).
Molecular consequence: synonymous variant. On other transcripts: intron variant (3).
Genome position (GRCh38, 1-based): chr2:178,684,349, C>T on the plus strand (G>A on the coding strand, the complement: TTN is on the minus strand). VCF-style: chr2-178684349-C-T. GRCh37 (hg19) VCF-style: chr2-179549076-C-T.
Other names: c.28971G>A, p.Glu9657= (NM_133378.4); c.31752G>A, p.Glu10584= (NM_001256850.1); c.13283-42032G>A (NM_003319.4); c.13859-42032G>A (NM_133437.4); c.13658-42032G>A (NM_133432.3).
Identifiers: ClinVar variation 46875 (VCV000046875.28), dbSNP rs397517542, ClinGen allele CA139412.